The following is an entry in ClinVar:

NM_001164508.2(NEB):c.18892-19T>C

Gene: NEB (nebulin; minus strand). Cytogenetic location: 2q23.3.
Variant type: single nucleotide variant.
Coding change: c.18892-19T>C on transcript NM_001164508.2 (MANE Select); 19 bases into the intron before coding-DNA position 18892, T replaced by C.
Molecular consequence: intron variant.
Genome position (GRCh38, 1-based): chr2:151,562,233, A>G on the plus strand (T>C on the coding strand, the complement: NEB is on the minus strand). VCF-style: chr2-151562233-A-G. GRCh37 (hg19) VCF-style: chr2-152418747-A-G.
Other names: c.13789-19T>C (NM_004543.5); c.18892-19T>C (NM_001164507.2, NM_001271208.2).
Identifiers: ClinVar variation 512878 (VCV000512878.4), dbSNP rs777342340, ClinGen allele CA1907814.
Genomic context (GRCh38, chr2:151,562,233, plus strand): 5'-ACCAATGCCTTTCAACCAATTCAGGTCATCTTTATACACATTCTGCAAGAAAGAGAGAAC[A>G]ATGAAATGTGGAAGGTATTCTGAATTTACAATTGAGCATTTGATAATTTCCTATCAGCTG-3'

ClinVar aggregate classification (germline): Likely benign. Review status: criteria provided, multiple submitters, no conflicts (2 of 4 stars). 2 submissions from 2 submitters: Likely benign (2). Last evaluated 2026-01-26.

Conditions:
Nemaline myopathy 2 (NEM2). Also called: Nemaline myopathy 2, autosomal recessive. Identifiers: MedGen C1850569, MONDO:0009725, OMIM 256030.

Allele frequency attached by ClinVar (database versions not stated): TOPMed below 0.00001; gnomAD 0.00001 and 0.00003; gnomAD exomes 0.00001; ExAC 0.00002.
gnomAD v4.1: 8 of 1,551,646 alleles (0.00052%); highest among the groups gnomAD compares: Admixed American, 0.0067%; no homozygotes.

Submissions (2):

Labcorp Genetics (formerly Invitae), Labcorp
Classification: Likely benign for Nemaline myopathy 2. Last evaluated: 2026-01-26. Review status: criteria provided, single submitter. Criteria: Invitae Variant Classification Sherloc (09022015). Collection method: clinical testing. Allele origin: germline.

GeneDx
Classification: Likely benign. Last evaluated: 2017-10-26. Review status: criteria provided, single submitter. Criteria: GeneDx Variant Classification (06012015). Collection method: clinical testing. Allele origin: germline. Affected: yes.
Comment: This variant is considered likely benign or benign based on one or more of the following criteria: it is a conservative change, it occurs at a poorly conserved position in the protein, it is predicted to be benign by multiple in silico algorithms, and/or has population frequency not consistent with disease.